The following is an entry in ClinVar:

NM_017780.4(CHD7):c.*1502G>A

Gene: CHD7 (chromodomain helicase DNA binding protein 7; plus strand). Cytogenetic location: 8q12.2.
Variant type: single nucleotide variant.
Coding change: c.*1502G>A on transcript NM_017780.4 (MANE Select); 1502 bases downstream of the stop codon, G replaced by A.
Molecular consequence: 3 prime UTR variant.
Genome position (GRCh38, 1-based): chr8:60,867,435, G>A. VCF-style: chr8-60867435-G-A. GRCh37 (hg19) VCF-style: chr8-61779994-G-A.
Other names: c.*1502G>A (NM_001316690.1).
Identifiers: ClinVar variation 363505 (VCV000363505.5), dbSNP rs181017286, ClinGen allele CA10628178.

ClinVar aggregate classification (germline): Likely benign (1 of 4 stars; one submission).

Conditions:
Hypogonadotropic hypogonadism 5 with or without anosmia (KAL5). Also called: HYPOGONADOTROPIC HYPOGONADISM 5 WITH ANOSMIA; HYPOGONADOTROPHIC HYPOGONADISM 5 WITHOUT ANOSMIA; CHD7-Related GnRH Deficiency (Kallmann Syndrome 5). Identifiers: Orphanet 478, MedGen C3552553, MONDO:0012880, OMIM 612370. Disease mechanism: loss of function.

Allele frequency attached by ClinVar (database versions not stated): 1000 Genomes Project 0.00220; 1000 Genomes Project 30x 0.00312; TOPMed 0.00547; gnomAD 0.00557 and 0.00566.

Submission:

Illumina Laboratory Services, Illumina
Classification: Likely benign for Kallmann Syndrome 5. Last evaluated: 2018-01-13. Review status: criteria provided, single submitter. Criteria: ICSL Variant Classification Criteria 13 December 2019. Collection method: clinical testing. Allele origin: germline.
Comment: This variant was observed in the ICSL laboratory as part of a predisposition screen in an ostensibly healthy population. It had not been previously curated by ICSL or reported in the Human Gene Mutation Database (HGMD: prior to June 1st, 2018), and was therefore a candidate for classification through an automated scoring system. Utilizing variant allele frequency, disease prevalence and penetrance estimates, and inheritance mode, an automated score was calculated to assess if this variant is too frequent to cause the disease. Based on the score and internal cut-off values, a variant classified as likely benign is not then subjected to further curation. The score for this variant resulted in a classification of likely benign for this disease.